The following is an entry in ClinVar:

ClinVar aggregate classification (germline): Uncertain significance (1 of 4 stars; one submission).

Allele frequency attached by ClinVar (database versions not stated): gnomAD exomes 0.00001 and 0.00002; ExAC 0.00002; gnomAD 0.00005; TOPMed 0.00005.
gnomAD v4.1: 16 of 1,613,718 alleles (0.00099%); highest among the groups gnomAD compares: African/African-American, 0.02%; no homozygotes.

Submission:

Labcorp Genetics (formerly Invitae), Labcorp
Classification: Uncertain significance. Last evaluated: 2022-06-13. Review status: criteria provided, single submitter. Criteria: Invitae Variant Classification Sherloc (09022015). Collection method: clinical testing. Allele origin: germline.
Comment: This sequence change replaces serine, which is neutral and polar, with glycine, which is neutral and non-polar, at codon 515 of the KIAA1549 protein (p.Ser515Gly). This variant is present in population databases (rs749802183, gnomAD 0.02%). This variant has not been reported in the literature in individuals affected with KIAA1549-related conditions. ClinVar contains an entry for this variant (Variation ID: 963855). Algorithms developed to predict the effect of missense changes on protein structure and function output the following: SIFT: "Tolerated"; PolyPhen-2: "Benign"; Align-GVGD: "Class C0". The glycine amino acid residue is found in multiple mammalian species, which suggests that this missense change does not adversely affect protein function. In summary, the available evidence is currently insufficient to determine the role of this variant in disease. Therefore, it has been classified as a Variant of Uncertain Significance.

NM_001164665.2(KIAA1549):c.1543A>G (p.Ser515Gly)

Gene: KIAA1549 (KIAA1549; minus strand). Cytogenetic location: 7q34.
Variant type: single nucleotide variant.
Coding change: c.1543A>G on transcript NM_001164665.2 (MANE Select); coding-DNA position 1543, A replaced by G.
Protein change: p.Ser515Gly; replaces serine 515 with glycine.
Molecular consequence: missense variant.
Genome position (GRCh38, 1-based): chr7:138,918,083, T>C on the plus strand (A>G on the coding strand, the complement: KIAA1549 is on the minus strand). VCF-style: chr7-138918083-T-C. GRCh37 (hg19) VCF-style: chr7-138602829-T-C.
Other names: c.1543A>G, p.Ser515Gly (NM_020910.3); short protein forms S515G.
Identifiers: ClinVar variation 963855 (VCV000963855.5), dbSNP rs749802183, ClinGen allele CA4506700.